The following is an entry in ClinVar:

ClinVar aggregate classification (germline): Benign/Likely benign. Review status: criteria provided, multiple submitters, no conflicts (2 of 4 stars). 3 submissions from 3 submitters: Benign (1); Likely benign (1). 1 of the submissions does not count toward it. Last evaluated 2025-05-06.

Conditions:
IL17RD-related disorder. Also called: IL17RD-related condition.

Allele frequency attached by ClinVar (database versions not stated): gnomAD 0.00029 and 0.00044; gnomAD exomes 0.00030 and 0.00106; TOPMed 0.00070; ExAC 0.00142; 1000 Genomes Project 0.00319; 1000 Genomes Project 30x 0.00328.
gnomAD v4.1: 505 of 1,602,970 alleles (0.032%); highest among the groups gnomAD compares: East Asian, 1%; 1 homozygote.

Submissions (3):

Labcorp Genetics (formerly Invitae), Labcorp
Classification: Benign. Last evaluated: 2025-05-06. Review status: criteria provided, single submitter. Criteria: Invitae Variant Classification Sherloc (09022015). Collection method: clinical testing. Allele origin: germline.

GeneDx
Classification: Likely benign. Last evaluated: 2018-04-24. Review status: criteria provided, single submitter. Criteria: GeneDx Variant Classification (06012015). Collection method: clinical testing. Allele origin: germline. Affected: yes.
Comment: This variant is considered likely benign or benign based on one or more of the following criteria: it is a conservative change, it occurs at a poorly conserved position in the protein, it is predicted to be benign by multiple in silico algorithms, and/or has population frequency not consistent with disease.

PreventionGenetics, part of Exact Sciences
Classification: Benign for IL17RD-related condition. Last evaluated: 2019-09-18. Review status: no assertion criteria provided. Collection method: clinical testing. Allele origin: germline. Not counted in ClinVar's aggregate classification.
Comment: This variant is classified as benign based on ACMG/AMP sequence variant interpretation guidelines (Richards et al. 2015 PMID: 25741868, with internal and published modifications).

NM_017563.5(IL17RD):c.1972A>G (p.Met658Val)

Genes: IL17RD (interleukin 17 receptor D; minus strand), LOC126806689 (BRD4-independent group 4 enhancer GRCh37_chr3:57131244-57132443; plus strand). Cytogenetic location: 3p14.3.
Variant type: single nucleotide variant.
Coding change: c.1972A>G on transcript NM_017563.5 (MANE Select); coding-DNA position 1972, A replaced by G.
Protein change: p.Met658Val; replaces methionine 658 with valine.
Molecular consequence: missense variant.
Genome position (GRCh38, 1-based): chr3:57,097,731, T>C on the plus strand (A>G on the coding strand, the complement: IL17RD is on the minus strand). VCF-style: chr3-57097731-T-C. GRCh37 (hg19) VCF-style: chr3-57131759-T-C.
Other names: c.1540A>G, p.Met514Val (NM_001318864.2); c.1972A>G (NM_017563.4); short protein forms M658V, M514V.
Identifiers: ClinVar variation 677804 (VCV000677804.8), dbSNP rs140930246, ClinGen allele CA2462612.